The following is an entry in ClinVar:

ClinVar aggregate classification (germline): Uncertain significance (1 of 4 stars; one submission).

Conditions:
Xanthinuria type II. Also called: Xanthine dehydrogenase and aldehyde oxidase combined deficiency of; XDH and AOX dual deficiency. Identifiers: Orphanet 3467, Orphanet 93602, MedGen C1863688, MONDO:0011346, OMIM 603592.

Allele frequency attached by ClinVar (database versions not stated): gnomAD exomes below 0.00001; gnomAD 0.00001; TOPMed 0.00001.
gnomAD v4.1: 4 of 1,614,054 alleles (0.00025%); highest among the groups gnomAD compares: Non-Finnish European, 0.00034%; no homozygotes.

Submission:

Labcorp Genetics (formerly Invitae), Labcorp
Classification: Uncertain significance for Xanthinuria type II. Last evaluated: 2020-02-21. Review status: criteria provided, single submitter. Criteria: Invitae Variant Classification Sherloc (09022015). Collection method: clinical testing. Allele origin: germline.
Comment: This variant has not been reported in the literature in individuals with XDH-related conditions. In summary, the available evidence is currently insufficient to determine the role of this variant in disease. Therefore, it has been classified as a Variant of Uncertain Significance. Algorithms developed to predict the effect of sequence changes on RNA splicing suggest that this variant may create or strengthen a splice site, but this prediction has not been confirmed by published transcriptional studies. This variant is not present in population databases (ExAC no frequency). This sequence change affects codon 828 of the XDH mRNA. It is a 'silent' change, meaning that it does not change the encoded amino acid sequence of the XDH protein.

NM_000379.4(XDH):c.2484G>A (p.Leu828=)

Gene: XDH (xanthine dehydrogenase; minus strand). Cytogenetic location: 2p23.1.
Variant type: single nucleotide variant.
Coding change: c.2484G>A on transcript NM_000379.4 (MANE Select); coding-DNA position 2484, G replaced by A.
Protein change: p.Leu828=; no amino-acid change (leucine 828 retained).
Molecular consequence: synonymous variant.
Genome position (GRCh38, 1-based): chr2:31,365,517, C>T on the plus strand (G>A on the coding strand, the complement: XDH is on the minus strand). VCF-style: chr2-31365517-C-T. GRCh37 (hg19) VCF-style: chr2-31588383-C-T.
Identifiers: ClinVar variation 1007706 (VCV001007706.9), dbSNP rs1312917059, ClinGen allele CA425445474.